The following is an entry in ClinVar:

NM_197968.4(ZMYM2):c.2736T>A (p.Val912=)

Gene: ZMYM2 (zinc finger MYM-type containing 2; plus strand). Cytogenetic location: 13q12.11.
Variant type: single nucleotide variant.
Coding change: c.2736T>A on transcript NM_197968.4 (MANE Select); coding-DNA position 2736, T replaced by A.
Protein change: p.Val912=; no amino-acid change (valine 912 retained).
Molecular consequence: synonymous variant. On other transcripts: non-coding transcript variant (1).
Genome position (GRCh38, 1-based): chr13:20,059,559, T>A. VCF-style: chr13-20059559-T-A. GRCh37 (hg19) VCF-style: chr13-20633699-T-A.
Other names: c.2736T>A, p.Val912= (NM_001190964.4, NM_001190965.4, NM_001353157.2 and 5 more transcripts); c.2541T>A, p.Val847= (NM_001353161.3); c.2475T>A, p.Val825= (NM_001353163.2).
Identifiers: ClinVar variation 4534643 (VCV004534643.6).

ClinVar aggregate classification (germline): Likely benign (1 of 4 stars; one submission).

gnomAD v4.1: 5 of 1,165,976 alleles (0.00043%); highest among the groups gnomAD compares: Non-Finnish European, 0.00065%; no homozygotes.

Submission:

CeGaT Center for Human Genetics Tuebingen
Classification: Likely benign. Last evaluated: 2025-11-01. Review status: criteria provided, single submitter. Criteria: CeGaT Center For Human Genetics Tuebingen Variant Classification Criteria Version 2. Collection method: clinical testing. Allele origin: germline. Affected: yes. Observed: 1 variant allele.
Comment: ZMYM2: BP4, BP7